The following is an entry in ClinVar:

NM_001077653.2(TBX20):c.1206T>G (p.Ile402Met)

Gene: TBX20 (T-box transcription factor 20; minus strand). Cytogenetic location: 7p14.2.
Variant type: single nucleotide variant.
Coding change: c.1206T>G on transcript NM_001077653.2 (MANE Select); coding-DNA position 1206, T replaced by G.
Protein change: p.Ile402Met; replaces isoleucine 402 with methionine.
Molecular consequence: missense variant.
Genome position (GRCh38, 1-based): chr7:35,202,568, A>C on the plus strand (T>G on the coding strand, the complement: TBX20 is on the minus strand). VCF-style: chr7-35202568-A-C. GRCh37 (hg19) VCF-style: chr7-35242180-A-C.
Other names: short protein forms I402M.
Identifiers: ClinVar variation 2018286 (VCV002018286.4), dbSNP rs2546980896, ClinGen allele CA367263000.

ClinVar aggregate classification (germline): Uncertain significance (1 of 4 stars; one submission).

Submission:

Labcorp Genetics (formerly Invitae), Labcorp
Classification: Uncertain significance. Last evaluated: 2022-08-03. Review status: criteria provided, single submitter. Criteria: Invitae Variant Classification Sherloc (09022015). Collection method: clinical testing. Allele origin: germline.
Comment: In summary, the available evidence is currently insufficient to determine the role of this variant in disease. Therefore, it has been classified as a Variant of Uncertain Significance. Algorithms developed to predict the effect of missense changes on protein structure and function (SIFT, PolyPhen-2, Align-GVGD) all suggest that this variant is likely to be tolerated. This variant has not been reported in the literature in individuals affected with TBX20-related conditions. This variant is not present in population databases (gnomAD no frequency). This sequence change replaces isoleucine, which is neutral and non-polar, with methionine, which is neutral and non-polar, at codon 402 of the TBX20 protein (p.Ile402Met).